The following is an entry in ClinVar:

GRCh38/hg38 Xp22.2(chrX:11038216-11190005)x3

Genes: ARHGAP6 (Rho GTPase activating protein 6; minus strand), HCCS (holocytochrome c synthase; plus strand), HCCS-DT (HCCS divergent transcript; minus strand), LOC130067937 (ATAC-STARR-seq lymphoblastoid active region 29409; plus strand), LOC130067938 (ATAC-STARR-seq lymphoblastoid active region 29410; plus strand). Cytogenetic location: Xp22.2.
Variant type: copy number gain.
Change: copy number 3 of chrX:11,038,216-11,190,005 (151.8 kb, GRCh38 coordinates, 1-based), cytogenetic band Xp22.2.
Identifiers: ClinVar variation 57475 (VCV000057475.1).

ClinVar aggregate classification (germline): Uncertain significance (1 of 4 stars; one submission).

Submission:

ISCA site 4
Classification: Uncertain significance. Last evaluated: 2011-08-12. Review status: criteria provided, single submitter. Criteria: Kaminsky et al. (Genet Med. 2011). Collection method: clinical testing. Allele origin: paternal. Affected: yes. Observed: 1 variant allele.
Comment: Copy number variation identified through the course of routine clinical cytogenomic testing in postnatal populations. Clinical assertions have been curated as described in Kaminsky et al. 2011.